The following is an entry in ClinVar:

NM_001242957.3(MAK):c.653C>T (p.Thr218Ile)

Gene: MAK (male germ cell associated kinase; minus strand). Cytogenetic location: 6p24.2.
Variant type: single nucleotide variant.
Coding change: c.653C>T on transcript NM_001242957.3 (MANE Select); coding-DNA position 653, C replaced by T.
Protein change: p.Thr218Ile; replaces threonine 218 with isoleucine.
Molecular consequence: missense variant. On other transcripts: non-coding transcript variant (2).
Genome position (GRCh38, 1-based): chr6:10,803,730, G>A on the plus strand (C>T on the coding strand, the complement: MAK is on the minus strand). VCF-style: chr6-10803730-G-A. GRCh37 (hg19) VCF-style: chr6-10803963-G-A.
Other names: c.653C>T, p.Thr218Ile (NM_001242385.2, NM_005906.6); c.551C>T, p.Thr184Ile (NM_001377262.1); short protein forms T218I, T184I.
Identifiers: ClinVar variation 1913597 (VCV001913597.2), dbSNP rs1156495365, ClinGen allele CA362720368.

ClinVar aggregate classification (germline): Uncertain significance (1 of 4 stars; one submission).

Allele frequency attached by ClinVar (database versions not stated): gnomAD 0.00001; gnomAD exomes 0.00001; TOPMed 0.00001.
gnomAD v4.1: 17 of 1,613,430 alleles (0.0011%); highest among the groups gnomAD compares: Non-Finnish European, 0.0014%; no homozygotes.

Submission:

Labcorp Genetics (formerly Invitae), Labcorp
Classification: Uncertain significance. Last evaluated: 2022-07-06. Review status: criteria provided, single submitter. Criteria: Invitae Variant Classification Sherloc (09022015). Collection method: clinical testing. Allele origin: germline.
Comment: This sequence change replaces threonine, which is neutral and polar, with isoleucine, which is neutral and non-polar, at codon 218 of the MAK protein (p.Thr218Ile). This variant is present in population databases (no rsID available, gnomAD 0.0009%). This variant has not been reported in the literature in individuals affected with MAK-related conditions. Advanced modeling of protein sequence and biophysical properties (such as structural, functional, and spatial information, amino acid conservation, physicochemical variation, residue mobility, and thermodynamic stability) performed at Invitae indicates that this missense variant is not expected to disrupt MAK protein function. In summary, the available evidence is currently insufficient to determine the role of this variant in disease. Therefore, it has been classified as a Variant of Uncertain Significance.